The following is an entry in ClinVar:

NM_000448.3(RAG1):c.2489A>C (p.Lys830Thr)

Gene: RAG1 (recombination activating 1; plus strand). Cytogenetic location: 11p12.
Variant type: single nucleotide variant.
Coding change: c.2489A>C on transcript NM_000448.3 (MANE Select); coding-DNA position 2489, A replaced by C.
Protein change: p.Lys830Thr; replaces lysine 830 with threonine.
Molecular consequence: missense variant.
Genome position (GRCh38, 1-based): chr11:36,575,793, A>C. VCF-style: chr11-36575793-A-C. GRCh37 (hg19) VCF-style: chr11-36597343-A-C.
Other names: c.2489A>C, p.Lys830Thr (NM_001377277.1, NM_001377278.1, NM_001377279.1 and 1 more transcripts); short protein forms K830T.
Identifiers: ClinVar variation 1440051 (VCV001440051.5), dbSNP rs763838960, ClinGen allele CA5950272.

ClinVar aggregate classification (germline): Uncertain significance (1 of 4 stars; one submission).

Conditions:
Combined immunodeficiency with skin granulomas. Identifiers: Orphanet 157949, MedGen C2673536, MONDO:0009306, OMIM 233650.
Severe combined immunodeficiency, autosomal recessive, T cell-negative, B cell-negative, NK cell-positive. Also called: SCID, AR, T-cell negative, B-cell negative, NK cell-positive; Severe combined immunodeficiency due to complete RAG1/2 deficiency; SCID, T CELL-NEGATIVE, B CELL-NEGATIVE, NK CELL-POSITIVE. Identifiers: Orphanet 331206, MedGen C1832322, MONDO:0011086, OMIM 601457.

Allele frequency attached by ClinVar (database versions not stated): gnomAD 0.00001; gnomAD exomes 0.00001 and 0.00002; TOPMed 0.00001; ExAC 0.00002.
gnomAD v4.1: 11 of 1,614,128 alleles (0.00068%); highest among the groups gnomAD compares: Non-Finnish European, 0.00093%; no homozygotes.

Submission:

Labcorp Genetics (formerly Invitae), Labcorp
Classification: Uncertain significance for Combined immunodeficiency with skin granulomas; Severe combined immunodeficiency, autosomal recessive, T cell-negative, B cell-negative, NK cell-positive. Last evaluated: 2025-06-04. Review status: criteria provided, single submitter. Criteria: Invitae Variant Classification Sherloc (09022015). Collection method: clinical testing. Allele origin: germline.
Comment: This sequence change replaces lysine, which is basic and polar, with threonine, which is neutral and polar, at codon 830 of the RAG1 protein (p.Lys830Thr). This variant is present in population databases (rs763838960, gnomAD 0.004%). This variant has not been reported in the literature in individuals affected with RAG1-related conditions. ClinVar contains an entry for this variant (Variation ID: 1440051). Invitae Evidence Modeling of protein sequence and biophysical properties (such as structural, functional, and spatial information, amino acid conservation, physicochemical variation, residue mobility, and thermodynamic stability) indicates that this missense variant is not expected to disrupt RAG1 protein function with a negative predictive value of 80%. In summary, the available evidence is currently insufficient to determine the role of this variant in disease. Therefore, it has been classified as a Variant of Uncertain Significance.